The following is an entry in ClinVar:

NM_020708.5(SLC12A5):c.2252G>A (p.Arg751His)

Gene: SLC12A5 (solute carrier family 12 member 5; plus strand). Cytogenetic location: 20q13.12.
Variant type: single nucleotide variant.
Coding change: c.2252G>A on transcript NM_020708.5 (MANE Select); coding-DNA position 2252, G replaced by A.
Protein change: p.Arg751His; replaces arginine 751 with histidine.
Molecular consequence: missense variant.
Genome position (GRCh38, 1-based): chr20:46,051,745, G>A. VCF-style: chr20-46051745-G-A. GRCh37 (hg19) VCF-style: chr20-44680384-G-A.
Other names: c.2321G>A (NM_001134771.1); c.2321G>A, p.Arg774His (NM_001134771.2); short protein forms R751H, R774H.
Identifiers: ClinVar variation 961333 (VCV000961333.8), dbSNP rs377709894, ClinGen allele CA9887559.

ClinVar aggregate classification (germline): Uncertain significance. Review status: criteria provided, multiple submitters, no conflicts (2 of 4 stars). 2 submissions from 2 submitters: Uncertain significance (2). Last evaluated 2025-04-30.

Conditions:
Developmental and epileptic encephalopathy, 34 (DEE34). Also called: Early infantile epileptic encephalopathy 34; SLC12A5-Related Epilepsy of Infancy with Migrating Focal Seizures. Identifiers: Orphanet 293181, MedGen C4225257, MONDO:0014718, OMIM 616645.

Allele frequency attached by ClinVar (database versions not stated): gnomAD 0.00002 and 0.00001; gnomAD exomes 0.00002; TOPMed 0.00002; ExAC 0.00004; ESP Exome Variant Server 0.00008; 1000 Genomes Project 30x 0.00016; 1000 Genomes Project 0.00020.
gnomAD v4.1: 45 of 1,611,570 alleles (0.0028%); highest among the groups gnomAD compares: South Asian, 0.0077%; no homozygotes.

Submissions (2):

Ambry Genetics
Classification: Uncertain significance. Last evaluated: 2025-04-30. Review status: criteria provided, single submitter. Criteria: Ambry Variant Classification Scheme 2023. Collection method: clinical testing. Allele origin: germline.

Labcorp Genetics (formerly Invitae), Labcorp
Classification: Uncertain significance for Developmental and epileptic encephalopathy, 34. Last evaluated: 2022-08-23. Review status: criteria provided, single submitter. Criteria: Invitae Variant Classification Sherloc (09022015). Collection method: clinical testing. Allele origin: germline.
Comment: This sequence change replaces arginine, which is basic and polar, with histidine, which is basic and polar, at codon 751 of the SLC12A5 protein (p.Arg751His). This variant is present in population databases (rs377709894, gnomAD 0.01%). This variant has not been reported in the literature in individuals affected with SLC12A5-related conditions. ClinVar contains an entry for this variant (Variation ID: 961333). Advanced modeling of protein sequence and biophysical properties (such as structural, functional, and spatial information, amino acid conservation, physicochemical variation, residue mobility, and thermodynamic stability) performed at Invitae indicates that this missense variant is expected to disrupt SLC12A5 protein function. In summary, the available evidence is currently insufficient to determine the role of this variant in disease. Therefore, it has been classified as a Variant of Uncertain Significance.